The following is an entry in ClinVar:

NC_000006.11:g.(?_74189435)_(74363609_?)dup

Genes: EEF1A1 (eukaryotic translation elongation factor 1 alpha 1; minus strand), MTO1 (mitochondrial tRNA translation optimization 1; plus strand), SLC17A5 (solute carrier family 17 member 5; minus strand). Cytogenetic location: 6q13.
Variant type: Duplication.
Identifiers: ClinVar variation 2425814 (VCV002425814.3).

ClinVar aggregate classification (germline): Uncertain significance (1 of 4 stars; one submission).

Conditions:
Salla disease (SD). Also called: Less Severe FSASD (Salla Disease); Sialuria, Finnish type; N-acetylneuraminic acid (NANA) storage disease (NSD); Infantile sialic acid storage disorder (ISSD). Identifiers: Orphanet 309334, Orphanet 834, MedGen C1096903, MONDO:0011449, OMIM 604369.

Submission:

Labcorp Genetics (formerly Invitae), Labcorp
Classification: Uncertain significance for Salla disease. Last evaluated: 2021-07-26. Review status: criteria provided, single submitter. Criteria: Invitae Variant Classification Sherloc (09022015). Collection method: clinical testing. Allele origin: germline.
Comment: A copy number gain of the genomic region encompassing the full coding sequence of the SLC17A5 gene has been identified. The boundaries of this event are unknown as they extend beyond the assayed region for this gene and therefore may encompass additional genes. As the precise location of this event is unknown, it may be in tandem or it may be located elsewhere in the genome. This variant has not been reported in the literature in individuals affected with SLC17A5-related conditions. Experimental studies and prediction algorithms are not available or were not evaluated, and the functional significance of this variant is currently unknown. In summary, the available evidence is currently insufficient to determine the role of this variant in disease. Therefore, it has been classified as a Variant of Uncertain Significance.